The following is an entry in ClinVar:

ClinVar aggregate classification (germline): Uncertain significance (1 of 4 stars; one submission).

Conditions:
Leukoencephalopathy with vanishing white matter 2 (VWM2). Also called: Leukoencephalopathy with vanishing white matter 2, with or without ovarian failure; EIF2B2-Related Childhood Ataxia with Central Nervous System Hypomyelination/Vanishing White Matter. Identifiers: MedGen C5830404, MONDO:0957870, OMIM 620312.

Submission:

3billion
Classification: Uncertain significance for Leukoencephalopathy with vanishing white matter 2. Last evaluated: 2023-07-14. Review status: criteria provided, single submitter. Criteria: ACMG Guidelines, 2015. Collection method: clinical testing. Allele origin: germline. Affected: yes.
Comment: The variant is observed at an extremely low frequency in the gnomAD v2.1.1 dataset (total allele frequency: 0.002%). Predicted Consequence/Location: Missense variant In silico tool predictions suggest damaging effect of the variant on gene or gene product (REVEL: 0.71; 3Cnet: 0.26). Therefore, this variant is classified as VUS according to the recommendation of ACMG/AMP guideline.

NM_014239.4(EIF2B2):c.973A>G (p.Ile325Val)

Gene: EIF2B2 (eukaryotic translation initiation factor 2B subunit beta; plus strand). Cytogenetic location: 14q24.3.
Variant type: single nucleotide variant.
Coding change: c.973A>G on transcript NM_014239.4 (MANE Select); coding-DNA position 973, A replaced by G.
Protein change: p.Ile325Val; replaces isoleucine 325 with valine.
Molecular consequence: missense variant.
Genome position (GRCh38, 1-based): chr14:75,009,105, A>G. VCF-style: chr14-75009105-A-G. GRCh37 (hg19) VCF-style: chr14-75475808-A-G.
Other names: short protein forms I325V.
Identifiers: ClinVar variation 3776282 (VCV003776282.1).